The following is an entry in ClinVar:

NM_007294.4(BRCA1):c.5216del (p.Asp1739fs)

Gene: BRCA1 (BRCA1 DNA repair associated; minus strand). Cytogenetic location: 17q21.31.
Variant type: Deletion.
Coding change: c.5216del on transcript NM_007294.4 (MANE Select); coding-DNA position 5216, one base deleted (A; older notation c.5216delA).
Protein change: p.Asp1739fs; shifts the reading frame from aspartic acid 1739.
Molecular consequence: frameshift variant. On other transcripts: non-coding transcript variant (1).
Genome position (GRCh38, 1-based): chr17:43,057,113, T deleted on the plus strand (A on the coding strand, the reverse complement: BRCA1 is on the minus strand). VCF-style (leftmost placement, unchanged base first): chr17-43057112-AT-A. GRCh37 (hg19) VCF-style: chr17-41209129-AT-A.
Other names: c.5003delA, p.Asp1668Valfs (NM_001407909.1, NM_001407910.1, NM_001407571.1 and 12 more transcripts); c.5000delA, p.Asp1667Valfs (NM_001407915.1, NM_001407916.1, NM_001407917.1 and 1 more transcripts); c.5093delA, p.Asp1698Valfs (NM_001407919.1, NM_001407937.1, NM_001407938.1 and 6 more transcripts); c.4952delA, p.Asp1651Valfs (NM_001407920.1, NM_001407921.1, NM_001407922.1 and 4 more transcripts); c.5090delA, p.Asp1697Valfs (NM_001407939.1, NM_001407940.1, NM_001407670.1 and 10 more transcripts); c.5075delA, p.Asp1692Valfs (NM_001407942.1, NM_001407692.1, NM_001407694.1 and 12 more transcripts); c.5072delA, p.Asp1691Valfs (NM_001407943.1, NM_001407944.1, NM_001407945.1 and 21 more transcripts); c.5087delA, p.Asp1696Valfs (NM_001407941.1, NM_001407681.1, NM_001407682.1 and 6 more transcripts); and 75 more; short protein forms D635fs, D1692fs, D1760fs, D1739fs.
Identifiers: ClinVar variation 838433 (VCV000838433.12), dbSNP rs2051521489, ClinGen allele CA916081182.

ClinVar aggregate classification (germline): Pathogenic (1 of 4 stars; one submission).

Conditions:
Hereditary breast ovarian cancer syndrome. Also called: Hereditary breast and ovarian cancer syndrome (HBOC); Hereditary breast and ovarian cancer; Hereditary breast and/or ovarian cancer syndrome; Hereditary breast and ovarian cancer syndrome; Breast and ovarian cancer; BRCA1- and BRCA2-Associated Hereditary Breast and Ovarian Cancer. Identifiers: Orphanet 145, MedGen C0677776, MeSH D061325, MONDO:0003582. Disease mechanism: loss of function.

Submission:

Labcorp Genetics (formerly Invitae), Labcorp
Classification: Pathogenic for Hereditary breast ovarian cancer syndrome. Last evaluated: 2020-08-04. Review status: criteria provided, single submitter. Criteria: Invitae Variant Classification Sherloc (09022015). Collection method: clinical testing. Allele origin: germline.
Comment: Loss-of-function variants in BRCA1 are known to be pathogenic (PMID: 20104584). For these reasons, this variant has been classified as Pathogenic. This variant has not been reported in the literature in individuals with BRCA1-related conditions. This sequence change creates a premature translational stop signal (p.Asp1739Valfs*26) in the BRCA1 gene. It is expected to result in an absent or disrupted protein product. This variant is not present in population databases (ExAC no frequency).

Literature cited by the submitters: PubMed 20104584.